The following is an entry in ClinVar:

ClinVar aggregate classification (germline): Uncertain significance. Review status: criteria provided, multiple submitters, no conflicts (2 of 4 stars). 4 submissions from 4 submitters: Uncertain significance (3). 1 of the submissions does not count toward it. Last evaluated 2025-10-02.

Conditions:
Glycogen storage disease type III (GSD3). Also called: Cori disease; FORBES DISEASE. Identifiers: Orphanet 366, MedGen C0017922, MONDO:0009291, OMIM 232400.
Inborn genetic diseases. Identifiers: MedGen C0950123, MeSH D030342.

Allele frequency attached by ClinVar (database versions not stated): ExAC 0.00001; gnomAD 0.00001; gnomAD exomes 0.00001; TOPMed 0.00001.
gnomAD v4.1: 20 of 1,614,010 alleles (0.0012%); highest among the groups gnomAD compares: Non-Finnish European, 0.0016%; no homozygotes.

Submissions (4):

Ambry Genetics
Classification: Uncertain significance for Inborn genetic diseases. Last evaluated: 2025-10-02. Review status: criteria provided, single submitter. Criteria: Ambry Variant Classification Scheme 2023. Collection method: clinical testing. Allele origin: germline.

Genome-Nilou Lab
Classification: Uncertain significance for Glycogen storage disease type III. Last evaluated: 2023-04-11. Review status: criteria provided, single submitter. Criteria: ACMG Guidelines, 2015. Collection method: clinical testing. Allele origin: germline. Affected: no.

Labcorp Genetics (formerly Invitae), Labcorp
Classification: Uncertain significance for Glycogen storage disease type III. Last evaluated: 2022-05-19. Review status: criteria provided, single submitter. Criteria: Invitae Variant Classification Sherloc (09022015). Collection method: clinical testing. Allele origin: germline.
Comment: This sequence change replaces isoleucine, which is neutral and non-polar, with threonine, which is neutral and polar, at codon 705 of the AGL protein (p.Ile705Thr). This variant is present in population databases (rs776037609, gnomAD 0.002%). This variant has not been reported in the literature in individuals affected with AGL-related conditions. ClinVar contains an entry for this variant (Variation ID: 972403). Algorithms developed to predict the effect of missense changes on protein structure and function are either unavailable or do not agree on the potential impact of this missense change (SIFT: "Deleterious"; PolyPhen-2: "Benign"; Align-GVGD: "Class C0"). In summary, the available evidence is currently insufficient to determine the role of this variant in disease. Therefore, it has been classified as a Variant of Uncertain Significance.

Natera, Inc.
Classification: Uncertain significance for Glycogen storage disease type III. Last evaluated: 2020-01-24. Review status: no assertion criteria provided. Collection method: clinical testing. Allele origin: germline. Not counted in ClinVar's aggregate classification.

NM_000642.3(AGL):c.2114T>C (p.Ile705Thr)

Gene: AGL (amylo-alpha-1,6-glucosidase and 4-alpha-glucanotransferase; plus strand). Cytogenetic location: 1p21.2.
Variant type: single nucleotide variant.
Coding change: c.2114T>C on transcript NM_000642.3 (MANE Select); coding-DNA position 2114, T replaced by C.
Protein change: p.Ile705Thr; replaces isoleucine 705 with threonine.
Molecular consequence: missense variant.
Genome position (GRCh38, 1-based): chr1:99,881,404, T>C. VCF-style: chr1-99881404-T-C. GRCh37 (hg19) VCF-style: chr1-100346960-T-C.
Other names: c.1736T>C, p.Ile579Thr (NM_001425332.1); c.2114T>C, p.Ile705Thr (NM_000028.3, NM_000643.3, NM_000644.3 and 2 more transcripts); c.2066T>C, p.Ile689Thr (NM_000646.3); c.1913T>C, p.Ile638Thr (NM_001425327.1); c.1910T>C, p.Ile637Thr (NM_001425328.1, NM_001425329.1); short protein forms I705T, I689T, I579T, I637T, I638T.
Identifiers: ClinVar variation 972403 (VCV000972403.14), dbSNP rs776037609, ClinGen allele CA966695.
Genomic context (GRCh38, chr1:99,881,404, plus strand): 5'-TGCCTTCAAACACAGGTGAAGTTAATTTCCAAAGCGGCATTATTGCAGCCAGGTGTGCTA[T>C]CAGTAAACTTCATCAGGAGCTTGGAGCCAAGGGTTTTATTCAGGCAAGAAATAATTAAAT-3'
Protein context (NP_000633.2, residues 695-715): QSGIIAARCA[Ile705Thr]SKLHQELGAK